The following is an entry in ClinVar:

NM_002048.3(GAS1):c.32A>G (p.Glu11Gly)

Gene: GAS1 (growth arrest specific 1; minus strand). Cytogenetic location: 9q21.33.
Variant type: single nucleotide variant.
Coding change: c.32A>G on transcript NM_002048.3 (MANE Select); coding-DNA position 32, A replaced by G.
Protein change: p.Glu11Gly; replaces glutamic acid 11 with glycine.
Molecular consequence: missense variant.
Genome position (GRCh38, 1-based): chr9:86,946,748, T>C on the plus strand (A>G on the coding strand, the complement: GAS1 is on the minus strand). VCF-style: chr9-86946748-T-C. GRCh37 (hg19) VCF-style: chr9-89561663-T-C.
Other names: short protein forms E11G.
Identifiers: ClinVar variation 3661498 (VCV003661498.2).

ClinVar aggregate classification (germline): Uncertain significance (1 of 4 stars; one submission).

Submission:

Labcorp Genetics (formerly Invitae), Labcorp
Classification: Uncertain significance. Last evaluated: 2024-09-17. Review status: criteria provided, single submitter. Criteria: Invitae Variant Classification Sherloc (09022015). Collection method: clinical testing. Allele origin: germline.
Comment: This sequence change replaces glutamic acid, which is acidic and polar, with glycine, which is neutral and non-polar, at codon 11 of the GAS1 protein (p.Glu11Gly). This variant is not present in population databases (gnomAD no frequency). This variant has not been reported in the literature in individuals affected with GAS1-related conditions. An algorithm developed to predict the effect of missense changes on protein structure and function outputs the following: PolyPhen-2: "Not Available". The glycine amino acid residue is found in multiple mammalian species, which suggests that this missense change does not adversely affect protein function. In summary, the available evidence is currently insufficient to determine the role of this variant in disease. Therefore, it has been classified as a Variant of Uncertain Significance.